The following is an entry in ClinVar:

NM_001363711.2(DUOX2):c.2899A>C (p.Ile967Leu)

Gene: DUOX2 (dual oxidase 2; minus strand). Cytogenetic location: 15q21.1.
Variant type: single nucleotide variant.
Coding change: c.2899A>C on transcript NM_001363711.2 (MANE Select); coding-DNA position 2899, A replaced by C.
Protein change: p.Ile967Leu; replaces isoleucine 967 with leucine.
Molecular consequence: missense variant.
Genome position (GRCh38, 1-based): chr15:45,101,227, T>G on the plus strand (A>C on the coding strand, the complement: DUOX2 is on the minus strand). VCF-style: chr15-45101227-T-G. GRCh37 (hg19) VCF-style: chr15-45393425-T-G.
Other names: c.2899A>C, p.Ile967Leu (NM_014080.5); short protein forms I967L.
Identifiers: ClinVar variation 1482541 (VCV001482541.5), dbSNP rs1894073637, ClinGen allele CA392265181.

ClinVar aggregate classification (germline): Uncertain significance (1 of 4 stars; one submission).

Allele frequency attached by ClinVar (database versions not stated): TOPMed 0.00001.

Submission:

Labcorp Genetics (formerly Invitae), Labcorp
Classification: Uncertain significance. Last evaluated: 2021-08-28. Review status: criteria provided, single submitter. Criteria: Invitae Variant Classification Sherloc (09022015). Collection method: clinical testing. Allele origin: germline.
Comment: This sequence change replaces isoleucine with leucine at codon 967 of the DUOX2 protein (p.Ile967Leu). The isoleucine residue is moderately conserved and there is a small physicochemical difference between isoleucine and leucine. This variant is not present in population databases (ExAC no frequency). This variant has not been reported in the literature in individuals affected with DUOX2-related conditions. Advanced modeling of protein sequence and biophysical properties (such as structural, functional, and spatial information, amino acid conservation, physicochemical variation, residue mobility, and thermodynamic stability) performed at Invitae indicates that this missense variant is not expected to disrupt DUOX2 protein function. In summary, the available evidence is currently insufficient to determine the role of this variant in disease. Therefore, it has been classified as a Variant of Uncertain Significance.